The following is an entry in ClinVar:

ClinVar aggregate classification (germline): Likely benign. Review status: criteria provided, multiple submitters, no conflicts (2 of 4 stars). 3 submissions from 3 submitters: Likely benign (2). 1 of the submissions does not count toward it. Last evaluated 2024-11-01.

Conditions:
HERC2-related disorder. Also called: HERC2-related condition.
Inborn genetic diseases. Identifiers: MedGen C0950123, MeSH D030342.

Allele frequency attached by ClinVar (database versions not stated): ESP Exome Variant Server 0.00261; ExAC 0.00298.

Submissions (3):

CeGaT Center for Human Genetics Tuebingen
Classification: Likely benign. Last evaluated: 2024-11-01. Review status: criteria provided, single submitter. Criteria: CeGaT Center For Human Genetics Tuebingen Variant Classification Criteria Version 2. Collection method: clinical testing. Allele origin: germline. Affected: yes. Observed: 8 variant alleles.
Comment: HERC2: BS2

Ambry Genetics
Classification: Likely benign for Inborn genetic diseases. Last evaluated: 2022-04-13. Review status: criteria provided, single submitter. Criteria: Ambry Variant Classification Scheme 2023. Collection method: clinical testing. Allele origin: germline.

PreventionGenetics, part of Exact Sciences
Classification: Likely benign for HERC2-related condition. Last evaluated: 2024-08-27. Review status: no assertion criteria provided. Collection method: clinical testing. Allele origin: germline. Not counted in ClinVar's aggregate classification.
Comment: This variant is classified as likely benign based on ACMG/AMP sequence variant interpretation guidelines (Richards et al. 2015 PMID: 25741868, with internal and published modifications).

NM_004667.6(HERC2):c.1015C>T (p.Pro339Ser)

Gene: HERC2 (HECT and RLD domain containing E3 ubiquitin protein ligase 2; minus strand). Cytogenetic location: 15q13.1.
Variant type: single nucleotide variant.
Coding change: c.1015C>T on transcript NM_004667.6 (MANE Select); coding-DNA position 1015, C replaced by T.
Protein change: p.Pro339Ser; replaces proline 339 with serine.
Molecular consequence: missense variant.
Genome position (GRCh38, 1-based): chr15:28,272,283, G>A on the plus strand (C>T on the coding strand, the complement: HERC2 is on the minus strand). VCF-style: chr15-28272283-G-A. GRCh37 (hg19) VCF-style: chr15-28517429-G-A.
Other names: c.1015C>T (NM_004667.5); short protein forms P339S.
Identifiers: ClinVar variation 2342783 (VCV002342783.27), dbSNP rs140932450, ClinGen allele CA267947232.
Genomic context (GRCh38, chr15:28,272,283, plus strand): 5'-CGCCCTCGGAGTGGGGTGCATCCTTCCTGCAAATGATGCTCTGGAACCTTTGCAGCAAGG[G>A]CAAAAGTGGGGCGCTGGTGCCCTGGGCGGAACGCTCATTGTCAGTCTCCTGTGCCCCGCT-3'
Protein context (NP_004658.3, residues 329-349): SAQGTSAPLL[Pro339Ser]LLQRFQSIIC